The following is an entry in ClinVar:

ClinVar aggregate classification (germline): Benign/Likely benign. Review status: criteria provided, multiple submitters, no conflicts (2 of 4 stars). 6 submissions from 6 submitters: Benign (1); Likely benign (4). 1 of the submissions does not count toward it. Last evaluated 2026-07-01.

Conditions:
Alacrima, achalasia, and impaired intellectual development syndrome. Also called: Alacrima, achalasia, and mental retardation syndrome; Alacrima, achalasia, and intellectual disability syndrome. Identifiers: Orphanet 869, MedGen C4706563, MONDO:0014219, OMIM 615510.
GMPPA-related disorder. Also called: GMPPA-related condition.

Allele frequency attached by ClinVar (database versions not stated): TOPMed 0.00360; gnomAD exomes 0.00397 and 0.00421; 1000 Genomes Project 0.00260; gnomAD 0.00324 and 0.00322; ExAC 0.00550; 1000 Genomes Project 30x 0.00281; ESP Exome Variant Server 0.00285.
gnomAD v4.1: 6,492 of 1,561,898 alleles (0.42%); highest among the groups gnomAD compares: Middle Eastern, 2%; 19 homozygotes.

Submissions (6):

CeGaT Center for Human Genetics Tuebingen
Classification: Likely benign. Last evaluated: 2026-07-01. Review status: criteria provided, single submitter. Criteria: CeGaT Center For Human Genetics Tuebingen Variant Classification Criteria Version 2. Collection method: clinical testing. Allele origin: germline. Affected: yes. Observed: 9 variant alleles.
Comment: GMPPA: BS2

Labcorp Genetics (formerly Invitae), Labcorp
Classification: Benign for Alacrima, achalasia, and impaired intellectual development syndrome. Last evaluated: 2026-01-26. Review status: criteria provided, single submitter. Criteria: Invitae Variant Classification Sherloc (09022015). Collection method: clinical testing. Allele origin: germline.

Blueprint Genetics
Classification: Likely benign. Last evaluated: 2024-11-25. Review status: criteria provided, single submitter. Criteria: ACMG Guidelines, 2015. Collection method: clinical testing. Allele origin: germline.

GeneDx
Classification: Likely benign. Last evaluated: 2018-05-21. Review status: criteria provided, single submitter. Criteria: GeneDx Variant Classification Process June 2021. Collection method: clinical testing. Allele origin: germline. Affected: yes.

Breakthrough Genomics
Classification: Likely benign. Review status: criteria provided, single submitter. Criteria: ACMG Guidelines, 2015. Collection method: not provided. Allele origin: germline. Inheritance: Autosomal recessive inheritance. Affected: yes.

PreventionGenetics, part of Exact Sciences
Classification: Likely benign for GMPPA-related condition. Last evaluated: 2021-05-05. Review status: no assertion criteria provided. Collection method: clinical testing. Allele origin: germline. Not counted in ClinVar's aggregate classification.
Comment: This variant is classified as likely benign based on ACMG/AMP sequence variant interpretation guidelines (Richards et al. 2015 PMID: 25741868, with internal and published modifications).

NM_013335.4(GMPPA):c.768C>T (p.Tyr256=)

Genes: ASIC4-AS1 (ASIC4 antisense RNA 1; minus strand), GMPPA (GDP-mannose pyrophosphorylase A; plus strand). Cytogenetic location: 2q35.
Variant type: single nucleotide variant.
Coding change: c.768C>T on transcript NM_013335.4 (MANE Select); coding-DNA position 768, C replaced by T.
Protein change: p.Tyr256=; no amino-acid change (tyrosine 256 retained).
Molecular consequence: synonymous variant.
Genome position (GRCh38, 1-based): chr2:219,505,470, C>T. VCF-style: chr2-219505470-C-T. GRCh37 (hg19) VCF-style: chr2-220370192-C-T.
Other names: c.768C>T, p.Tyr256= (NM_205847.3).
Identifiers: ClinVar variation 380527 (VCV000380527.50), dbSNP rs146215853, ClinGen allele CA2128286.